The following is an entry in ClinVar:

ClinVar aggregate classification (germline): Uncertain significance (1 of 4 stars; one submission).

Conditions:
Hereditary cancer-predisposing syndrome. Also called: Neoplastic Syndromes, Hereditary; Tumor predisposition; Hereditary Cancer Syndrome; Hereditary neoplastic syndrome. Identifiers: Orphanet 140162, MedGen C0027672, MeSH D009386, MONDO:0015356.

Submission:

Ambry Genetics
Classification: Uncertain significance for Hereditary cancer-predisposing syndrome. Last evaluated: 2026-05-14. Review status: criteria provided, single submitter. Criteria: Ambry Variant Classification Scheme 2023. Collection method: clinical testing. Allele origin: germline.
Comment: The p.L256S variant (also known as c.767T>C), located in coding exon 7 of the PRKAR1A gene, results from a T to C substitution at nucleotide position 767. The leucine at codon 256 is replaced by serine, an amino acid with dissimilar properties. This amino acid position is conserved. In addition, this alteration is predicted to be deleterious by in silico analysis. Based on the available evidence, the clinical significance of this variant remains unclear.

NM_002734.5(PRKAR1A):c.767T>C (p.Leu256Ser)

Gene: PRKAR1A (protein kinase cAMP-dependent type I regulatory subunit alpha; plus strand). Cytogenetic location: 17q24.2.
Variant type: single nucleotide variant.
Coding change: c.767T>C on transcript NM_002734.5 (MANE Select); coding-DNA position 767, T replaced by C.
Protein change: p.Leu256Ser; replaces leucine 256 with serine.
Molecular consequence: missense variant.
Genome position (GRCh38, 1-based): chr17:68,527,898, T>C. VCF-style: chr17-68527898-T-C. GRCh37 (hg19) VCF-style: chr17-66524039-T-C.
Other names: c.767T>C, p.Leu256Ser (NM_001276289.2, NM_001276290.1, NM_001278433.2 and 4 more transcripts); short protein forms L256S.
Identifiers: ClinVar variation 4862515 (VCV004862515.1).